The following is an entry in ClinVar:

ClinVar aggregate classification (germline): Uncertain significance. Review status: criteria provided, multiple submitters, no conflicts (2 of 4 stars). 4 submissions from 2 submitters: Uncertain significance (4). Last evaluated 2023-06-20.

Conditions:
Atypical hemolytic-uremic syndrome with C3 anomaly. Also called: AHUS, SUSCEPTIBILITY TO, 5. Identifiers: Orphanet 2134, MedGen C2752037, MONDO:0013043, OMIM 612925.
Complement component 3 deficiency. Identifiers: Orphanet 280133, MedGen C3151071, MONDO:0013417, OMIM 613779.
Age related macular degeneration 9. Identifiers: MedGen C1969651, MONDO:0012659, OMIM 611378.

gnomAD v4.1: 2 of 1,614,166 alleles (0.00012%); no homozygotes.

Submissions (4):

Labcorp Genetics (formerly Invitae), Labcorp
Classification: Uncertain significance. Last evaluated: 2023-06-20. Review status: criteria provided, single submitter. Criteria: Invitae Variant Classification Sherloc (09022015). Collection method: clinical testing. Allele origin: germline.
Comment: This variant is not present in population databases (gnomAD no frequency). This sequence change replaces asparagine, which is neutral and polar, with serine, which is neutral and polar, at codon 1136 of the C3 protein (p.Asn1136Ser). This variant has not been reported in the literature in individuals affected with C3-related conditions. ClinVar contains an entry for this variant (Variation ID: 893807). Algorithms developed to predict the effect of missense changes on protein structure and function output the following: SIFT: "Not Available"; PolyPhen-2: "Benign"; Align-GVGD: "Not Available". The serine amino acid residue is found in multiple mammalian species, which suggests that this missense change does not adversely affect protein function. In summary, the available evidence is currently insufficient to determine the role of this variant in disease. Therefore, it has been classified as a Variant of Uncertain Significance.

Illumina Laboratory Services, Illumina
Classification: Uncertain significance for Atypical hemolytic-uremic syndrome with C3 anomaly. Last evaluated: 2018-01-13. Review status: criteria provided, single submitter. Criteria: ICSL Variant Classification Criteria 13 December 2019. Collection method: clinical testing. Allele origin: germline.

Illumina Laboratory Services, Illumina
Classification: Uncertain significance for Complement component 3 deficiency. Last evaluated: 2018-01-13. Review status: criteria provided, single submitter. Criteria: ICSL Variant Classification Criteria 13 December 2019. Collection method: clinical testing. Allele origin: germline.

Illumina Laboratory Services, Illumina
Classification: Uncertain significance for Age related macular degeneration 9. Last evaluated: 2018-01-13. Review status: criteria provided, single submitter. Criteria: ICSL Variant Classification Criteria 13 December 2019. Collection method: clinical testing. Allele origin: germline.

NM_000064.4(C3):c.3407A>G (p.Asn1136Ser)

Gene: C3 (complement C3; minus strand). Cytogenetic location: 19p13.3.
Variant type: single nucleotide variant.
Coding change: c.3407A>G on transcript NM_000064.4 (MANE Select); coding-DNA position 3407, A replaced by G.
Protein change: p.Asn1136Ser; replaces asparagine 1136 with serine.
Molecular consequence: missense variant.
Genome position (GRCh38, 1-based): chr19:6,690,711, T>C on the plus strand (A>G on the coding strand, the complement: C3 is on the minus strand). VCF-style: chr19-6690711-T-C. GRCh37 (hg19) VCF-style: chr19-6690722-T-C.
Other names: short protein forms N1136S.
Identifiers: ClinVar variation 893807 (VCV000893807.7), dbSNP rs1918144043, ClinGen allele CA403624448.